The following is an entry in ClinVar:

ClinVar aggregate classification (germline): Pathogenic (1 of 4 stars; one submission).

Conditions:
Osteogenesis imperfecta type 8 (OI8). Identifiers: MedGen C1970458, MONDO:0012581, OMIM 610915.

Allele frequency attached by ClinVar (database versions not stated): gnomAD exomes below 0.00001; ExAC 0.00002.

Submission:

Labcorp Genetics (formerly Invitae), Labcorp
Classification: Pathogenic for Osteogenesis imperfecta type 8. Last evaluated: 2024-12-27. Review status: criteria provided, single submitter. Criteria: Invitae Variant Classification Sherloc (09022015). Collection method: clinical testing. Allele origin: germline.
Comment: This sequence change creates a premature translational stop signal (p.Glu701Valfs*29) in the P3H1 gene. While this is not anticipated to result in nonsense mediated decay, it is expected to disrupt the last 36 amino acid(s) of the P3H1 protein. This variant is present in population databases (rs778110583, gnomAD 0.001%). This variant has not been reported in the literature in individuals affected with P3H1-related conditions. ClinVar contains an entry for this variant (Variation ID: 1390172). Algorithms developed to predict the effect of sequence changes on RNA splicing suggest that this variant may disrupt the consensus splice site. This variant disrupts a region of the P3H1 protein in which other variant(s) (p.Glu719Argfs*11) have been determined to be pathogenic (PMID: 22615817). This suggests that this is a clinically significant region of the protein, and that variants that disrupt it are likely to be disease-causing. For these reasons, this variant has been classified as Pathogenic.

Literature cited by the submitters: PubMed 22615817.

NM_022356.4(P3H1):c.2101_2102insT (p.Glu701fs)

Gene: P3H1 (prolyl 3-hydroxylase 1; minus strand). Cytogenetic location: 1p34.2.
Variant type: Insertion.
Coding change: c.2101_2102insT on transcript NM_022356.4 (MANE Select); coding-DNA positions 2101 to 2102, T inserted.
Protein change: p.Glu701fs; shifts the reading frame from glutamic acid 701.
Molecular consequence: frameshift variant. On other transcripts: 3 prime UTR variant (2).
Genome position: GRCh38 VCF-style: chr1-42746806-T-TA. GRCh37 (hg19) VCF-style: chr1-43212477-T-TA.
Other names: c.*26_*27insT (NM_001146289.2); c.*105_*106insT (NM_001243246.2); short protein forms E701fs.
Identifiers: ClinVar variation 1390172 (VCV001390172.8), dbSNP rs778110583, ClinGen allele CA801523.